The following is an entry in ClinVar:

ClinVar aggregate classification (germline): Uncertain significance (1 of 4 stars; one submission).

Submission:

CeGaT Center for Human Genetics Tuebingen
Classification: Uncertain significance. Last evaluated: 2026-06-01. Review status: criteria provided, single submitter. Criteria: CeGaT Center For Human Genetics Tuebingen Variant Classification Criteria Version 2. Collection method: clinical testing. Allele origin: germline. Affected: yes. Observed: 1 variant allele.
Comment: HSPD1: PM2, PM4

NM_002156.5(HSPD1):c.1701_1712dup (p.Met572_Phe573insGlyGlyGlyMet)

Gene: HSPD1 (heat shock protein family D (Hsp60) member 1; minus strand). Cytogenetic location: 2q33.1.
Variant type: Duplication.
Coding change: c.1701_1712dup on transcript NM_002156.5 (MANE Select); coding-DNA positions 1701 to 1712, 12 bases duplicated (TATGGGAGGTGG).
Protein change: p.Met572_Phe573insGlyGlyGlyMet.
Molecular consequence: inframe insertion.
Genome position (GRCh38, 1-based): chr2:197,487,056-197,487,067, CCACCTCCCATA duplicated on the plus strand (TATGGGAGGTGG on the coding strand, the reverse complement: HSPD1 is on the minus strand); duplicating any 12 consecutive bases within chr2:197,487,056-197,487,078 gives the same sequence; the c. name uses the placement nearest the transcript's 3' end. VCF-style (leftmost placement, unchanged base first): chr2-197487055-G-GCCACCTCCCATA. GRCh37 (hg19) VCF-style: chr2-198351779-G-GCCACCTCCCATA.
Other names: c.1701_1712dup, p.Met572_Phe573insGlyGlyGlyMet (NM_199440.2).
Identifiers: ClinVar variation 4873375 (VCV004873375.2).